The following is an entry in ClinVar:

NM_001148.6(ANK2):c.9908A>G (p.Lys3303Arg)

Gene: ANK2 (ankyrin 2; plus strand). Cytogenetic location: 4q26.
Variant type: single nucleotide variant.
Coding change: c.9908A>G on transcript NM_001148.6 (MANE Select); coding-DNA position 9908, A replaced by G.
Protein change: p.Lys3303Arg; replaces lysine 3303 with arginine.
Molecular consequence: missense variant. On other transcripts: intron variant (68).
Genome position (GRCh38, 1-based): chr4:113,358,526, A>G. VCF-style: chr4-113358526-A-G. GRCh37 (hg19) VCF-style: chr4-114279682-A-G.
Other names: c.9674A>G, p.Lys3225Arg (NM_001386142.1); c.6308A>G, p.Lys2103Arg (NM_001386166.1); c.10049A>G, p.Lys3350Arg (NM_001386174.1); c.10025A>G, p.Lys3342Arg (NM_001386175.1); c.4412-2297A>G (NM_001386186.2, NM_001386148.2); c.4214-2297A>G (NM_001354269.3); c.4292-2297A>G (NM_001386187.2); c.4253-2297A>G (NM_001386147.1); and 35 more; short protein forms K3303R, K2103R, K3225R, K3350R, K3342R.
Identifiers: ClinVar variation 1768562 (VCV001768562.3), dbSNP rs1016630693, ClinGen allele CA103817668.
Genomic context (GRCh38, chr4:113,358,526, plus strand): 5'-CAGTAATCGAGATTCCTACTGCACCCATGGAGAATGTGCCTTTTACTGAAAGCAAATCCA[A>G]AATTCCTGTAAGGACTATGCCCACTTCCACCCCAGCACCTCCATCTGCAGAGTATGAGAG-3'
Protein context (NP_001139.3, residues 3293-3313): ENVPFTESKS[Lys3303Arg]IPVRTMPTST

ClinVar aggregate classification (germline): Uncertain significance. Review status: criteria provided, multiple submitters, no conflicts (2 of 4 stars). 2 submissions from 2 submitters: Uncertain significance (2). Last evaluated 2025-05-04.

Conditions:
Cardiovascular phenotype. Identifiers: MedGen CN230736.
Long QT syndrome (LQTS). Identifiers: MedGen C0023976, MeSH D008133, MONDO:0002442. Disease mechanism: loss of function. Inheritance: Various modes of inheritance.

Allele frequency attached by ClinVar (database versions not stated): TOPMed 0.00001.

Submissions (2):

Labcorp Genetics (formerly Invitae), Labcorp
Classification: Uncertain significance for Long QT syndrome. Last evaluated: 2025-05-04. Review status: criteria provided, single submitter. Criteria: Invitae Variant Classification Sherloc (09022015). Collection method: clinical testing. Allele origin: germline.
Comment: This sequence change replaces lysine, which is basic and polar, with arginine, which is basic and polar, at codon 3303 of the ANK2 protein (p.Lys3303Arg). This variant is not present in population databases (gnomAD no frequency). This variant has not been reported in the literature in individuals affected with ANK2-related conditions. ClinVar contains an entry for this variant (Variation ID: 1768562). An algorithm developed to predict the effect of missense changes on protein structure and function outputs the following: PolyPhen-2: "Benign". The arginine amino acid residue is found in multiple mammalian species, which suggests that this missense change does not adversely affect protein function. In summary, the available evidence is currently insufficient to determine the role of this variant in disease. Therefore, it has been classified as a Variant of Uncertain Significance.

Ambry Genetics
Classification: Uncertain significance for Cardiovascular phenotype. Last evaluated: 2022-07-17. Review status: criteria provided, single submitter. Criteria: Ambry Variant Classification Scheme 2023. Collection method: clinical testing. Allele origin: germline.
Comment: The p.K3303R variant (also known as c.9908A>G), located in coding exon 38 of the ANK2 gene, results from an A to G substitution at nucleotide position 9908. The lysine at codon 3303 is replaced by arginine, an amino acid with highly similar properties. This amino acid position is conserved. In addition, this alteration is predicted to be tolerated by in silico analysis. Since supporting evidence is limited at this time, the clinical significance of this alteration remains unclear.